The following is an entry in ClinVar:

NM_014844.5(TECPR2):c.632G>A (p.Arg211Lys)

Gene: TECPR2 (tectonin beta-propeller repeat containing 2; plus strand). Cytogenetic location: 14q32.31.
Variant type: single nucleotide variant.
Coding change: c.632G>A on transcript NM_014844.5 (MANE Select); coding-DNA position 632, G replaced by A.
Protein change: p.Arg211Lys; replaces arginine 211 with lysine.
Molecular consequence: missense variant.
Genome position (GRCh38, 1-based): chr14:102,414,787, G>A. VCF-style: chr14-102414787-G-A. GRCh37 (hg19) VCF-style: chr14-102881124-G-A.
Other names: c.632G>A, p.Arg211Lys (NM_001172631.3); short protein forms R211K.
Identifiers: ClinVar variation 567108 (VCV000567108.9), dbSNP rs201081739, ClinGen allele CA7357482.

ClinVar aggregate classification (germline): Uncertain significance. Review status: criteria provided, single submitter (1 of 4 stars). 2 submissions from 2 submitters: Uncertain significance (1). 1 of the submissions does not count toward it. Last evaluated 2021-09-01.

Conditions:
Hereditary spastic paraplegia 49 (HSAN9). Also called: TECPR2-Related Hereditary Sensory and Autonomic Neuropathy with Intellectual Disability; Spastic paraplegia 49, autosomal recessive; NEUROPATHY, HEREDITARY SENSORY AND AUTONOMIC, TYPE IX, WITH DEVELOPMENTAL DELAY. Identifiers: Orphanet 320385, MedGen C5190860, MONDO:0014016, OMIM 615031.

Allele frequency attached by ClinVar (database versions not stated): ExAC 0.00003; gnomAD exomes 0.00003 and 0.00010; TOPMed 0.00003; gnomAD 0.00004; 1000 Genomes Project 30x 0.00016; 1000 Genomes Project 0.00020.

Submissions (2):

Labcorp Genetics (formerly Invitae), Labcorp
Classification: Uncertain significance for Hereditary spastic paraplegia 49. Last evaluated: 2021-09-01. Review status: criteria provided, single submitter. Criteria: Invitae Variant Classification Sherloc (09022015). Collection method: clinical testing. Allele origin: germline.
Comment: This sequence change replaces arginine with lysine at codon 211 of the TECPR2 protein (p.Arg211Lys). The arginine residue is highly conserved and there is a small physicochemical difference between arginine and lysine. This variant is present in population databases (rs201081739, ExAC 0.006%). This variant has not been reported in the literature in individuals affected with TECPR2-related conditions. Algorithms developed to predict the effect of missense changes on protein structure and function (SIFT, PolyPhen-2, Align-GVGD) all suggest that this variant is likely to be disruptive. In summary, the available evidence is currently insufficient to determine the role of this variant in disease. Therefore, it has been classified as a Variant of Uncertain Significance.

Natera, Inc.
Classification: Uncertain significance for Autosomal recessive spastic paraplegia type 49. Last evaluated: 2019-11-11. Review status: no assertion criteria provided. Collection method: clinical testing. Allele origin: germline. Not counted in ClinVar's aggregate classification.